The following is an entry in ClinVar:

NM_001846.4(COL4A2):c.2484T>C (p.Pro828=)

Gene: COL4A2 (collagen type IV alpha 2 chain; plus strand). Cytogenetic location: 13q34.
Variant type: single nucleotide variant.
Coding change: c.2484T>C on transcript NM_001846.4 (MANE Select); coding-DNA position 2484, T replaced by C.
Protein change: p.Pro828=; no amino-acid change (proline 828 retained).
Molecular consequence: synonymous variant.
Genome position (GRCh38, 1-based): chr13:110,478,061, T>C. VCF-style: chr13-110478061-T-C. GRCh37 (hg19) VCF-style: chr13-111130408-T-C.
Other names: p.Pro828=.
Identifiers: ClinVar variation 311149 (VCV000311149.45), dbSNP rs181706751, ClinGen allele CA7049928.

ClinVar aggregate classification (germline): Benign/Likely benign. Review status: criteria provided, multiple submitters, no conflicts (2 of 4 stars). 5 submissions from 5 submitters: Benign (3); Likely benign (1). 1 of the submissions does not count toward it. Last evaluated 2025-08-18.

Conditions:
COL4A2-related disorder. Also called: COL4A2-related disorders; COL4A2-related condition.
Brain small vessel disease 2A, autosomal dominant. Also called: Porencephaly 2. Identifiers: Orphanet 2940, Orphanet 99810, MedGen C3280970, MONDO:0013773, OMIM 614483.

Allele frequency attached by ClinVar (database versions not stated): TOPMed 0.00020; 1000 Genomes Project 30x 0.00062; gnomAD exomes 0.00076 and 0.00165; 1000 Genomes Project 0.00080; gnomAD 0.00145 and 0.00151; ExAC 0.00165.
gnomAD v4.1: 1,320 of 1,605,766 alleles (0.082%); highest among the groups gnomAD compares: Non-Finnish European, 0.028%; 7 homozygotes.

Submissions (5):

Labcorp Genetics (formerly Invitae), Labcorp
Classification: Benign. Last evaluated: 2025-08-18. Review status: criteria provided, single submitter. Criteria: Invitae Variant Classification Sherloc (09022015). Collection method: clinical testing. Allele origin: germline.

Mayo Clinic Laboratories, Mayo Clinic
Classification: Benign. Last evaluated: 2025-03-25. Review status: criteria provided, single submitter. Criteria: ACMG Guidelines, 2015. Collection method: clinical testing. Allele origin: germline. Observed: 1 variant allele.
Comment: BA1, BS2, BP4, BP7

CeGaT Center for Human Genetics Tuebingen
Classification: Likely benign. Last evaluated: 2023-09-01. Review status: criteria provided, single submitter. Criteria: CeGaT Center For Human Genetics Tuebingen Variant Classification Criteria Version 2. Collection method: clinical testing. Allele origin: germline. Affected: yes. Observed: 2 variant alleles.
Comment: COL4A2: BP4, BP7, BS1

Illumina Laboratory Services, Illumina
Classification: Benign for Brain small vessel disease 2A, autosomal dominant. Last evaluated: 2018-01-12. Review status: criteria provided, single submitter. Criteria: ICSL Variant Classification Criteria 13 December 2019. Collection method: clinical testing. Allele origin: germline.
Comment: This variant was observed in the ICSL laboratory as part of a predisposition screen in an ostensibly healthy population. It had not been previously curated by ICSL or reported in the Human Gene Mutation Database (HGMD: prior to June 1st, 2018), and was therefore a candidate for classification through an automated scoring system. Utilizing variant allele frequency, disease prevalence and penetrance estimates, and inheritance mode, an automated score was calculated to assess if this variant is too frequent to cause the disease. Based on the score and internal cut-off values, a variant classified as benign is not then subjected to further curation. The score for this variant resulted in a classification of benign for this disease.

PreventionGenetics, part of Exact Sciences
Classification: Benign for COL4A2-related condition. Last evaluated: 2019-07-10. Review status: no assertion criteria provided. Collection method: clinical testing. Allele origin: germline. Not counted in ClinVar's aggregate classification.
Comment: This variant is classified as benign based on ACMG/AMP sequence variant interpretation guidelines (Richards et al. 2015 PMID: 25741868, with internal and published modifications).